The following is an entry in ClinVar:

NM_001394062.1(MACF1):c.582A>G (p.Lys194=)

Gene: MACF1 (microtubule actin crosslinking factor 1; plus strand). Cytogenetic location: 1p34.3.
Variant type: single nucleotide variant.
Coding change: c.582A>G on transcript NM_001394062.1 (MANE Select); coding-DNA position 582, A replaced by G.
Protein change: p.Lys194=; no amino-acid change (lysine 194 retained).
Molecular consequence: synonymous variant.
Genome position (GRCh38, 1-based): chr1:39,282,261, A>G. VCF-style: chr1-39282261-A-G. GRCh37 (hg19) VCF-style: chr1-39747933-A-G.
Other names: c.597A>G, p.Lys199= (NM_012090.5).
Identifiers: ClinVar variation 3054847 (VCV003054847.2), dbSNP rs147380893, ClinGen allele CA779247.

ClinVar aggregate classification (germline): Likely benign (0 of 4 stars; one submission).

Conditions:
MACF1-related disorder. Also called: MACF1-related condition.

Allele frequency attached by ClinVar (database versions not stated): gnomAD exomes 0.00001; ExAC 0.00003; gnomAD 0.00005; TOPMed 0.00009; ESP Exome Variant Server 0.00023.
gnomAD v4.1: 13 of 1,613,986 alleles (0.00081%); highest among the groups gnomAD compares: African/African-American, 0.015%; no homozygotes.

Submission:

PreventionGenetics, part of Exact Sciences
Classification: Likely benign for MACF1-related condition. Last evaluated: 2021-12-22. Review status: no assertion criteria provided. Collection method: clinical testing. Allele origin: germline.
Comment: This variant is classified as likely benign based on ACMG/AMP sequence variant interpretation guidelines (Richards et al. 2015 PMID: 25741868, with internal and published modifications).